The following is an entry in ClinVar:

ClinVar aggregate classification (germline): Likely benign (1 of 4 stars; one submission).

gnomAD v4.1: 36 of 1,612,796 alleles (0.0022%); highest among the groups gnomAD compares: South Asian, 0.0088%; no homozygotes.

Submission:

CeGaT Center for Human Genetics Tuebingen
Classification: Likely benign. Last evaluated: 2026-06-01. Review status: criteria provided, single submitter. Criteria: CeGaT Center For Human Genetics Tuebingen Variant Classification Criteria Version 2. Collection method: clinical testing. Allele origin: germline. Affected: yes. Observed: 1 variant allele.
Comment: DPP9: BP4, BP7

NM_139159.5(DPP9):c.2154C>T (p.Phe718=)

Genes: DPP9 (dipeptidyl peptidase 9; minus strand), DPP9-AS1 (DPP9 antisense RNA 1; plus strand). Cytogenetic location: 19p13.3.
Variant type: single nucleotide variant.
Coding change: c.2154C>T on transcript NM_139159.5 (MANE Select); coding-DNA position 2154, C replaced by T.
Protein change: p.Phe718=; no amino-acid change (phenylalanine 718 retained).
Molecular consequence: synonymous variant. On other transcripts: non-coding transcript variant (10), intron variant (1).
Genome position (GRCh38, 1-based): chr19:4,684,687, G>A on the plus strand (C>T on the coding strand, the complement: DPP9 is on the minus strand). VCF-style: chr19-4684687-G-A. GRCh37 (hg19) VCF-style: chr19-4684699-G-A.
Other names: c.2154C>T, p.Phe718= (NM_001384611.1, NM_001384612.1, NM_001384613.1 and 5 more transcripts); c.2148C>T, p.Phe716= (NM_001384617.1); c.2127C>T, p.Phe709= (NM_001384618.1); c.2121C>T, p.Phe707= (NM_001384619.1); c.2115C>T, p.Phe705= (NM_001384620.1, NM_001384621.1); c.2067C>T, p.Phe689= (NM_001384623.1, NM_001384624.1, NM_001384625.1 and 2 more transcripts); c.1914C>T, p.Phe638= (NM_001384631.1); c.2031+939C>T (NM_001384630.1).
Identifiers: ClinVar variation 4873944 (VCV004873944.2).